The following is an entry in ClinVar:

NM_004168.4(SDHA):c.919A>G (p.Ile307Val)

Gene: SDHA (succinate dehydrogenase complex flavoprotein subunit A; plus strand). Cytogenetic location: 5p15.33.
Variant type: single nucleotide variant.
Coding change: c.919A>G on transcript NM_004168.4 (MANE Select); coding-DNA position 919, A replaced by G.
Protein change: p.Ile307Val; replaces isoleucine 307 with valine.
Molecular consequence: missense variant.
Genome position (GRCh38, 1-based): chr5:233,500, A>G. VCF-style: chr5-233500-A-G. GRCh37 (hg19) VCF-style: chr5-233615-A-G.
Other names: c.775A>G, p.Ile259Val (NM_001294332.2); c.919A>G, p.Ile307Val (NM_001330758.2); short protein forms I307V, I259V.
Identifiers: ClinVar variation 239686 (VCV000239686.19), dbSNP rs200632016, ClinGen allele CA10582425.

ClinVar aggregate classification (germline): Uncertain significance. Review status: criteria provided, multiple submitters, no conflicts (2 of 4 stars). 6 submissions from 6 submitters: Uncertain significance (6). Last evaluated 2025-12-24.

Conditions:
Neurodegeneration with ataxia and late-onset optic atrophy. Identifiers: MedGen C5543254, MONDO:0031006, OMIM 619259.
Mitochondrial complex II deficiency, nuclear type 1. Also called: SUCCINATE CoQ REDUCTASE DEFICIENCY. Identifiers: Orphanet 3208, MedGen C5700310, MONDO:0100294, OMIM 252011.
Pheochromocytoma/paraganglioma syndrome 5. Also called: Paragangliomas 5; SDHA-Related Hereditary Paraganglioma-Pheochromocytoma Syndrome. Identifiers: Orphanet 29072, MedGen C3279992, MONDO:0013602, OMIM 614165.
Dilated cardiomyopathy 1GG (CMD1GG). Identifiers: Orphanet 154, MedGen C3150898, MONDO:0013339, OMIM 613642.
Hereditary cancer-predisposing syndrome. Also called: Hereditary Cancer Syndrome; Hereditary neoplastic syndrome; Neoplastic Syndromes, Hereditary; Tumor predisposition. Identifiers: Orphanet 140162, MedGen C0027672, MeSH D009386, MONDO:0015356.

Allele frequency attached by ClinVar (database versions not stated): gnomAD 0.00001; gnomAD exomes 0.00001; TOPMed 0.00001.
gnomAD v4.1: 13 of 1,614,122 alleles (0.00081%); highest among the groups gnomAD compares: Non-Finnish European, 0.00093%; no homozygotes.

Submissions (6):

Labcorp Genetics (formerly Invitae), Labcorp
Classification: Uncertain significance for Pheochromocytoma/paraganglioma syndrome 5; Mitochondrial complex II deficiency, nuclear type 1. Last evaluated: 2025-12-24. Review status: criteria provided, single submitter. Criteria: Invitae Variant Classification Sherloc (09022015). Collection method: clinical testing. Allele origin: germline.
Comment: This sequence change replaces isoleucine, which is neutral and non-polar, with valine, which is neutral and non-polar, at codon 307 of the SDHA protein (p.Ile307Val). This variant is present in population databases (rs200632016, gnomAD 0.0009%). This variant has not been reported in the literature in individuals affected with SDHA-related conditions. ClinVar contains an entry for this variant (Variation ID: 239686). Invitae Evidence Modeling of protein sequence and biophysical properties (such as structural, functional, and spatial information, amino acid conservation, physicochemical variation, residue mobility, and thermodynamic stability) indicates that this missense variant is not expected to disrupt SDHA protein function with a negative predictive value of 95%. In summary, the available evidence is currently insufficient to determine the role of this variant in disease. Therefore, it has been classified as a Variant of Uncertain Significance.

GeneDx
Classification: Uncertain significance. Last evaluated: 2024-06-26. Review status: criteria provided, single submitter. Criteria: GeneDx Variant Classification Process June 2021. Collection method: clinical testing. Allele origin: germline. Affected: yes.
Comment: Not observed at significant frequency in large population cohorts (gnomAD); In silico analysis indicates that this missense variant does not alter protein structure/function; Has not been previously published as pathogenic or benign to our knowledge

Ambry Genetics
Classification: Uncertain significance for Hereditary cancer-predisposing syndrome. Last evaluated: 2024-02-28. Review status: criteria provided, single submitter. Criteria: Ambry Variant Classification Scheme 2023. Collection method: clinical testing. Allele origin: germline.
Comment: The p.I307V variant (also known as c.919A>G), located in coding exon 8 of the SDHA gene, results from an A to G substitution at nucleotide position 919. The isoleucine at codon 307 is replaced by valine, an amino acid with highly similar properties. This amino acid position is highly conserved in available vertebrate species. In addition, the in silico prediction for this alteration is inconclusive. Since supporting evidence is limited at this time, the clinical significance of this alteration remains unclear.

Baylor Genetics
Classification: Uncertain significance for Dilated cardiomyopathy 1GG. Last evaluated: 2023-12-12. Review status: criteria provided, single submitter. Criteria: ACMG Guidelines, 2015. Collection method: clinical testing. Allele origin: unknown.

Fulgent Genetics
Classification: Uncertain significance for Mitochondrial complex II deficiency, nuclear type 1; Dilated cardiomyopathy 1GG; Pheochromocytoma/paraganglioma syndrome 5; Neurodegeneration with ataxia and late-onset optic atrophy. Last evaluated: 2021-09-22. Review status: criteria provided, single submitter. Criteria: ACMG Guidelines, 2015. Collection method: clinical testing. Allele origin: unknown.

Sema4
Classification: Uncertain significance for Hereditary cancer-predisposing syndrome. Last evaluated: 2021-05-06. Review status: criteria provided, single submitter. Criteria: Sema4 Curation Guidelines. Collection method: curation. Allele origin: germline.
Comment: The SDHA c.919A>G (p.I307V) variant has not been reported in the literature to our knowledge. It was observed in 1/113770 chromosomes of the Non-Finnish European subpopulation in the large and broad cohorts of the Genome Aggregation Database. The variant has been reported in ClinVar (Variation ID 239686). In silico tools suggest the impact of the variant on protein function is inconclusive, though these predictions have not been confirmed by functional studies. The evidence is insufficient to meet ACMG/AMP criteria for classifying the variant as benign or pathogenic. Thus, the clinical significance of this variant is currently uncertain.